The following is an entry in ClinVar:

ClinVar aggregate classification (germline): Pathogenic/Likely pathogenic. Review status: criteria provided, multiple submitters, no conflicts (2 of 4 stars). 3 submissions from 3 submitters: Pathogenic (1); Likely pathogenic (2). Last evaluated 2024-03-16.

Conditions:
Muscular dystrophy-dystroglycanopathy (congenital with impaired intellectual development), type B, 2. Also called: Muscular dystrophy-dystroglycanopathy (congenital with intellectual disability), type B2; MUSCULAR DYSTROPHY, CONGENITAL, POMT2-RELATED. Identifiers: MedGen C3150416, MONDO:0013160, OMIM 613156.
Autosomal recessive limb-girdle muscular dystrophy type 2N. Also called: Muscular dystrophy-dystroglycanopathy (limb-girdle), type C, 2; MUSCULAR DYSTROPHY-DYSTROGLYCANOPATHY, LIMB-GIRDLE, POMT2-RELATED. Identifiers: Orphanet 206559, MedGen C3150418, MONDO:0013162, OMIM 613158.
Muscular dystrophy-dystroglycanopathy (congenital with brain and eye anomalies), type A2. Also called: MUSCULAR DYSTROPHY-DYSTROGLYCANOPATHY (CONGENITAL WITH BRAIN AND EYE ANOMALIES), TYPE A, 2; WALKER-WARBURG SYNDROME OR MUSCLE-EYE-BRAIN DISEASE, POMT2-RELATED. Identifiers: Orphanet 588, Orphanet 899, MedGen C3150411, MONDO:0013154, OMIM 613150.

Submissions (3):

Labcorp Genetics (formerly Invitae), Labcorp
Classification: Pathogenic for Muscular dystrophy-dystroglycanopathy (congenital with impaired intellectual development), type B, 2; Muscular dystrophy-dystroglycanopathy (congenital with brain and eye anomalies), type A2; Autosomal recessive limb-girdle muscular dystrophy type 2N. Last evaluated: 2024-03-16. Review status: criteria provided, single submitter. Criteria: Invitae Variant Classification Sherloc (09022015). Collection method: clinical testing. Allele origin: germline.
Comment: This sequence change creates a premature translational stop signal (p.Met432Hisfs*21) in the POMT2 gene. It is expected to result in an absent or disrupted protein product. Loss-of-function variants in POMT2 are known to be pathogenic (PMID: 15894594). This variant is not present in population databases (gnomAD no frequency). This variant has not been reported in the literature in individuals affected with POMT2-related conditions. ClinVar contains an entry for this variant (Variation ID: 538734). For these reasons, this variant has been classified as Pathogenic.

Fulgent Genetics
Classification: Likely pathogenic for Muscular dystrophy-dystroglycanopathy (congenital with brain and eye anomalies), type A2; Muscular dystrophy-dystroglycanopathy (congenital with impaired intellectual development), type B, 2; Autosomal recessive limb-girdle muscular dystrophy type 2N. Last evaluated: 2024-02-21. Review status: criteria provided, single submitter. Criteria: ACMG Guidelines, 2015. Collection method: clinical testing. Allele origin: germline.

Baylor Genetics
Classification: Likely pathogenic for Muscular dystrophy-dystroglycanopathy (congenital with brain and eye anomalies), type A2. Last evaluated: 2023-12-14. Review status: criteria provided, single submitter. Criteria: ACMG Guidelines, 2015. Collection method: clinical testing. Allele origin: unknown.

Literature cited by the submitters: PubMed 15894594 (cited by Labcorp Genetics (formerly Invitae), Labcorp).

NM_013382.7(POMT2):c.1293dup (p.Met432fs)

Gene: POMT2 (protein O-mannosyltransferase 2; minus strand). Cytogenetic location: 14q24.3.
Variant type: Duplication.
Coding change: c.1293dup on transcript NM_013382.7 (MANE Select); coding-DNA position 1293, one base duplicated (C; older notation c.1293dupC).
Protein change: p.Met432fs; shifts the reading frame from methionine 432.
Molecular consequence: frameshift variant.
Genome position (GRCh38, 1-based): chr14:77,286,783, G duplicated on the plus strand (C on the coding strand, the reverse complement: POMT2 is on the minus strand); the first of 5 consecutive G bases (chr14:77,286,783-77,286,787); duplicating any one gives the same sequence. VCF-style (leftmost placement, unchanged base first): chr14-77286782-T-TG. GRCh37 (hg19) VCF-style: chr14-77753125-T-TG.
Other names: c.1293dupC (NM_013382.5); short protein forms M432fs.
Identifiers: ClinVar variation 538734 (VCV000538734.10), dbSNP rs1555352706, ClinGen allele CA658798240.